The following is an entry in ClinVar:

ClinVar aggregate classification (germline): Pathogenic (0 of 4 stars; one submission).

Conditions:
Short stature and advanced bone age, with or without early-onset osteoarthritis and/or osteochondritis dissecans (SSOAOD). Identifiers: Orphanet 251262, MedGen C3665488, MONDO:0100462, OMIM 165800.

Submission:

Department of Endocrinology and Genetics, Fuzhou Children’s Hospital of Fujian Medical University
Classification: Pathogenic for Short stature and advanced bone age, with or without early-onset osteoarthritis and/or osteochondritis dissecans. Last evaluated: 2022-03-18. Review status: no assertion criteria provided. Collection method: clinical testing. Allele origin: maternal. Inheritance: Autosomal dominant inheritance. Affected: yes. Observed: 1 heterozygote.

Literature cited by the submitters: PubMed 33606014.

Single allele

Variant type: Deletion.
Identifiers: ClinVar variation 1691680 (VCV001691680.4).